The following is an entry in ClinVar:

ClinVar aggregate classification (germline): Uncertain significance. Review status: criteria provided, multiple submitters, no conflicts (2 of 4 stars). 7 submissions from 7 submitters: Uncertain significance (7). Last evaluated 2026-01-27.

Conditions:
Cardiovascular phenotype. Identifiers: MedGen CN230736.
Myofibrillar myopathy 6. Identifiers: Orphanet 199340, MedGen C2751831, MONDO:0013061, OMIM 612954.
Dilated cardiomyopathy 1HH (CMD1HH). Identifiers: Orphanet 154, MedGen C3151293, MONDO:0013479, OMIM 613881.

Allele frequency attached by ClinVar (database versions not stated): gnomAD exomes 0.00003; ExAC 0.00004; gnomAD 0.00004; TOPMed 0.00005; ESP Exome Variant Server 0.00008.

Submissions (7):

Labcorp Genetics (formerly Invitae), Labcorp
Classification: Uncertain significance for Dilated cardiomyopathy 1HH; Myofibrillar myopathy 6. Last evaluated: 2026-01-27. Review status: criteria provided, single submitter. Criteria: Invitae Variant Classification Sherloc (09022015). Collection method: clinical testing. Allele origin: germline.
Comment: This sequence change replaces histidine, which is basic and polar, with arginine, which is basic and polar, at codon 248 of the BAG3 protein (p.His248Arg). This variant is present in population databases (rs369947845, gnomAD 0.009%). This missense change has been observed in individual(s) with hypertrophic cardiomyopathy and/or dilated cardiomyopathy (PMID: 28750076, 34036930). ClinVar contains an entry for this variant (Variation ID: 201687). Invitae Evidence Modeling of protein sequence and biophysical properties (such as structural, functional, and spatial information, amino acid conservation, physicochemical variation, residue mobility, and thermodynamic stability) indicates that this missense variant is not expected to disrupt BAG3 protein function with a negative predictive value of 80%. In summary, the available evidence is currently insufficient to determine the role of this variant in disease. Therefore, it has been classified as a Variant of Uncertain Significance.

GeneDx
Classification: Uncertain significance. Last evaluated: 2025-10-27. Review status: criteria provided, single submitter. Criteria: GeneDx Variant Classification Process June 2021. Collection method: clinical testing. Allele origin: germline. Affected: yes.
Comment: Reported as a variant of uncertain significance in individuals with cardiomyopathy in published literature; however some of these individuals also carried variants in other cardiomyopathy genes as well (PMID: 29016939, 28750076, 34036930); In silico analysis supports that this missense variant has a deleterious effect on protein structure/function; This variant is associated with the following publications: (PMID: 29029362, 34036930, 29016939, 28750076)

Revvity Omics, Revvity
Classification: Uncertain significance. Last evaluated: 2025-06-25. Review status: criteria provided, single submitter. Criteria: ACMG Guidelines, 2015. Collection method: clinical testing. Allele origin: germline.

Women's Health and Genetics/Laboratory Corporation of America, LabCorp
Classification: Uncertain significance. Last evaluated: 2024-08-27. Review status: criteria provided, single submitter. Criteria: LabCorp Variant Classification Summary - May 2015. Collection method: clinical testing. Allele origin: germline.
Comment: Variant summary: BAG3 c.743A>G (p.His248Arg) results in a non-conservative amino acid change in the encoded protein sequence. Three of five in-silico tools predict a benign effect of the variant on protein function. The variant allele was found at a frequency of 2.8e-05 in 251020 control chromosomes. The available data on variant occurrences in the general population are insufficient to allow any conclusion about variant significance. c.743A>G has been reported in the literature in individuals affected with dilated cardiomyopathy, hypertrophic cardiomyopathy, or sudden cardiac death, all without evidence of causality (e.g. Mehaney_2022, Forleo_2017, Hellenthal_2017). These reports do not provide unequivocal conclusions about association of the variant with Myofibrillar Myopathy, BAG3-Related. To our knowledge, no experimental evidence demonstrating an impact on protein function has been reported. The following publications have been ascertained in the context of this evaluation (PMID: 28750076, 29016939, 34036930). ClinVar contains an entry for this variant (Variation ID: 201687). Based on the evidence outlined above, the variant was classified as uncertain significance.

Mayo Clinic Laboratories, Mayo Clinic
Classification: Uncertain significance. Last evaluated: 2023-06-16. Review status: criteria provided, single submitter. Criteria: ACMG Guidelines, 2015. Collection method: clinical testing. Allele origin: germline. Observed: 1 variant allele.

Blueprint Genetics
Classification: Uncertain significance. Last evaluated: 2022-12-19. Review status: criteria provided, single submitter. Criteria: ACMG Guidelines, 2015. Collection method: clinical testing. Allele origin: germline.

Ambry Genetics
Classification: Uncertain significance for Cardiovascular phenotype. Last evaluated: 2022-10-11. Review status: criteria provided, single submitter. Criteria: Ambry Variant Classification Scheme 2023. Collection method: clinical testing. Allele origin: germline.
Comment: The p.H248R variant (also known as c.743A>G), located in coding exon 3 of the BAG3 gene, results from an A to G substitution at nucleotide position 743. The histidine at codon 248 is replaced by arginine, an amino acid with highly similar properties. This alteration has been reported in a sudden death subject and a subject with hypertrophic cardiomyopathy (HCM) (Hellenthal N et al. Europace, 2017 Nov;19:1881-1890; Forleo C et al. PLoS One, 2017 Jul;12:e0181842). This amino acid position is well conserved in available vertebrate species. In addition, the in silico prediction for this alteration is inconclusive. Since supporting evidence is limited at this time, the clinical significance of this alteration remains unclear.

Literature cited by the submitters: PubMed 28750076 (cited by 4 submitters); PubMed 34036930 (cited by 3 submitters); PubMed 29016939 (cited by 3 submitters); PubMed 29029362 (cited by Mayo Clinic Laboratories, Mayo Clinic); PubMed 36382946 (cited by Mayo Clinic Laboratories, Mayo Clinic).

NM_004281.4(BAG3):c.743A>G (p.His248Arg)

Gene: BAG3 (BAG cochaperone 3; plus strand). Cytogenetic location: 10q26.11.
Variant type: single nucleotide variant.
Coding change: c.743A>G on transcript NM_004281.4 (MANE Select); coding-DNA position 743, A replaced by G.
Protein change: p.His248Arg; replaces histidine 248 with arginine.
Molecular consequence: missense variant.
Genome position (GRCh38, 1-based): chr10:119,672,490, A>G. VCF-style: chr10-119672490-A-G. GRCh37 (hg19) VCF-style: chr10-121432002-A-G.
Other names: p.H248R:CAC>CGC; p.His248Arg; short protein forms H248R.
Identifiers: ClinVar variation 201687 (VCV000201687.23), dbSNP rs369947845, ClinGen allele CA308245.
Genomic context (GRCh38, chr10:119,672,490, plus strand): 5'-CCCAGAAGACGCACTACCCAGCGCAGCAGGGGGAGTACCAGACCCACCAGCCTGTGTACC[A>G]CAAGATCCAGGGGGATGACTGGGAGCCCCGGCCCCTGCGGGCGGCATCCCCGTTCAGGTC-3'
Protein context (NP_004272.2, residues 238-258): GEYQTHQPVY[His248Arg]KIQGDDWEPR